The following is an entry in ClinVar:

ClinVar aggregate classification (germline): Likely pathogenic (1 of 4 stars; one submission).

Conditions:
Inborn genetic diseases. Identifiers: MedGen C0950123, MeSH D030342.

Allele frequency attached by ClinVar (database versions not stated): gnomAD exomes below 0.00001; TOPMed below 0.00001.
gnomAD v4.1: 5 of 1,610,954 alleles (0.00031%); highest among the groups gnomAD compares: Non-Finnish European, 0.00042%; no homozygotes.

Submission:

Ambry Genetics
Classification: Likely pathogenic for Inborn genetic diseases. Last evaluated: 2022-10-27. Review status: criteria provided, single submitter. Criteria: Ambry Variant Classification Scheme 2023. Collection method: clinical testing. Allele origin: germline.
Comment: The c.384-1G>A intronic variant results from a G to A substitution one nucleotide before coding exon 3 of the B4GALNT1 gene. Alterations that disrupt the canonical splice site are expected to cause aberrant splicing, resulting in an abnormal protein or a transcript that is subject to nonsense-mediated mRNA decay. This variant was not reported in population-based cohorts in the Genome Aggregation Database (gnomAD). This nucleotide position is highly conserved in available vertebrate species. In silico splice site analysis predicts that this alteration will weaken the native splice acceptor site and will result in the creation or strengthening of a novel splice acceptor site. Based on the available evidence, this alteration is classified as likely pathogenic.

NM_001478.5(B4GALNT1):c.384-1G>A

Gene: B4GALNT1 (beta-1,4-N-acetyl-galactosaminyltransferase 1; minus strand). Cytogenetic location: 12q13.3.
Variant type: single nucleotide variant.
Coding change: c.384-1G>A on transcript NM_001478.5 (MANE Select); the canonical splice acceptor site of the intron before coding-DNA position 384, G replaced by A.
Molecular consequence: splice acceptor variant.
Genome position (GRCh38, 1-based): chr12:57,631,087, C>T on the plus strand (G>A on the coding strand, the complement: B4GALNT1 is on the minus strand). VCF-style: chr12-57631087-C-T. GRCh37 (hg19) VCF-style: chr12-58024870-C-T.
Other names: c.219-1G>A (NM_001413978.1, NM_001276468.2); c.-604-1G>A (NM_001413984.1, NM_001413982.1, NM_001413981.1 and 1 more transcripts); c.384-1G>A (NM_001413977.1, NM_001413970.1, NM_001413968.1 and 9 more transcripts).
Identifiers: ClinVar variation 2312523 (VCV002312523.2), dbSNP rs775080333, ClinGen allele CA237792731.